The following is an entry in ClinVar:

ClinVar aggregate classification (germline): Uncertain significance (1 of 4 stars; one submission).

Submission:

Ambry Genetics
Classification: Uncertain significance. Last evaluated: 2022-11-24. Review status: criteria provided, single submitter. Criteria: Ambry Variant Classification Scheme 2023. Collection method: clinical testing. Allele origin: germline.
Comment: The p.H833P variant (also known as c.2498A>C), located in coding exon 22 of the PRKDC gene, results from an A to C substitution at nucleotide position 2498. The histidine at codon 833 is replaced by proline, an amino acid with similar properties. This amino acid position is conserved. In addition, this alteration is predicted to be tolerated by in silico analysis. Since supporting evidence is limited at this time, the clinical significance of this alteration remains unclear.

NM_006904.7(PRKDC):c.2498A>C (p.His833Pro)

Gene: PRKDC (protein kinase, DNA-activated, catalytic subunit; minus strand). Cytogenetic location: 8q11.21.
Variant type: single nucleotide variant.
Coding change: c.2498A>C on transcript NM_006904.7 (MANE Select); coding-DNA position 2498, A replaced by C.
Protein change: p.His833Pro; replaces histidine 833 with proline.
Molecular consequence: missense variant.
Genome position (GRCh38, 1-based): chr8:47,918,305, T>G on the plus strand (A>C on the coding strand, the complement: PRKDC is on the minus strand). VCF-style: chr8-47918305-T-G. GRCh37 (hg19) VCF-style: chr8-48830865-T-G.
Other names: c.2498A>C, p.His833Pro (NM_001081640.2); short protein forms H833P.
Identifiers: ClinVar variation 2449821 (VCV002449821.2), dbSNP rs1299676486, ClinGen allele CA371160351.
Genomic context (GRCh38, chr8:47,918,305, plus strand): 5'-GTAAGGTACAGAAAATACAAAGGACTTCTTACTGATGAAAGGTTCTTTGTCTTCTTCAGA[T>G]GCTTTAACACCACTTTATTAAATCCTTTCTGGGCAGCCCGAGAAAGAGCTGACACTTCCC-3'
Protein context (NP_008835.5, residues 823-843): QKGFNKVVLK[His833Pro]LKKTKNLSSN